The following is an entry in ClinVar:

ClinVar aggregate classification (germline): Uncertain significance. Review status: criteria provided, multiple submitters, no conflicts (2 of 4 stars). 3 submissions from 3 submitters: Uncertain significance (3). Last evaluated 2025-10-27.

Allele frequency attached by ClinVar (database versions not stated): gnomAD exomes below 0.00001; ExAC 0.00002.
gnomAD v4.1: 1 of 1,613,890 alleles (0.000062%); highest among the groups gnomAD compares: Admixed American, 0.0017%; no homozygotes.

Submissions (3):

Mayo Clinic Laboratories, Mayo Clinic
Classification: Uncertain significance. Last evaluated: 2025-10-27. Review status: criteria provided, single submitter. Criteria: ACMG Guidelines, 2015. Collection method: clinical testing. Allele origin: germline. Observed: 1 variant allele.
Comment: PM2_supporting, PS3_supporting

Labcorp Genetics (formerly Invitae), Labcorp
Classification: Uncertain significance. Last evaluated: 2025-09-16. Review status: criteria provided, single submitter. Criteria: Invitae Variant Classification Sherloc (09022015). Collection method: clinical testing. Allele origin: germline.
Comment: This sequence change replaces valine, which is neutral and non-polar, with alanine, which is neutral and non-polar, at codon 31 of the SPTA1 protein (p.Val31Ala). This variant is present in population databases (rs773826036, gnomAD 0.003%). This missense change has been observed in individual(s) with hereditary elliptocytosis (PMID: 8844207). ClinVar contains an entry for this variant (Variation ID: 2436358). Invitae Evidence Modeling of protein sequence and biophysical properties (such as structural, functional, and spatial information, amino acid conservation, physicochemical variation, residue mobility, and thermodynamic stability) indicates that this missense variant is expected to disrupt SPTA1 protein function with a positive predictive value of 80%. Experimental studies have shown that this missense change affects SPTA1 function (PMID: 18218854). In summary, the available evidence is currently insufficient to determine the role of this variant in disease. Therefore, it has been classified as a Variant of Uncertain Significance.

Revvity Omics, Revvity
Classification: Uncertain significance. Last evaluated: 2022-06-09. Review status: criteria provided, single submitter. Criteria: ACMG Guidelines, 2015. Collection method: clinical testing. Allele origin: germline.

Literature cited by the submitters: PubMed 18218854 (cited by Mayo Clinic Laboratories, Mayo Clinic and Labcorp Genetics (formerly Invitae), Labcorp); PubMed 8136282 (cited by Mayo Clinic Laboratories, Mayo Clinic); PubMed 8844207 (cited by Labcorp Genetics (formerly Invitae), Labcorp).

NM_003126.4(SPTA1):c.92T>C (p.Val31Ala)

Gene: SPTA1 (spectrin alpha, erythrocytic 1; minus strand). Cytogenetic location: 1q23.1.
Variant type: single nucleotide variant.
Coding change: c.92T>C on transcript NM_003126.4 (MANE Select); coding-DNA position 92, T replaced by C.
Protein change: p.Val31Ala; replaces valine 31 with alanine.
Molecular consequence: missense variant.
Genome position (GRCh38, 1-based): chr1:158,685,280, A>G on the plus strand (T>C on the coding strand, the complement: SPTA1 is on the minus strand). VCF-style: chr1-158685280-A-G. GRCh37 (hg19) VCF-style: chr1-158655070-A-G.
Other names: p.Val31Ala; short protein forms V31A.
Identifiers: ClinVar variation 2436358 (VCV002436358.5), dbSNP rs773826036, ClinGen allele CA1184255.
Genomic context (GRCh38, chr1:158,685,280, plus strand): 5'-TCCTCAAGCTTCTGACCCCTCTCAGCGACCCGCTCCTTGAAACTTTGATACCGAGTCAAC[A>G]CTTCCTGACGCCTCTCCTGGATCTCTTCTGCTGTTTCCAAAACCTTTGGCCCACTGCTCT-3'
Protein context (NP_003117.2, residues 21-41): AEEIQERRQE[Val31Ala]LTRYQSFKER